The following is an entry in ClinVar:

NC_000002.11:g.(?_152380815)_(152384109_?)del

Gene: NEB (nebulin; minus strand). Cytogenetic location: 2q23.3.
Variant type: Deletion.
Identifiers: ClinVar variation 1459336 (VCV001459336.4).

ClinVar aggregate classification (germline): Pathogenic (1 of 4 stars; one submission).

Conditions:
Nemaline myopathy 2 (NEM2). Also called: Nemaline myopathy 2, autosomal recessive. Identifiers: MedGen C1850569, MONDO:0009725, OMIM 256030.

Submission:

Labcorp Genetics (formerly Invitae), Labcorp
Classification: Pathogenic for Nemaline myopathy 2. Last evaluated: 2022-06-22. Review status: criteria provided, single submitter. Criteria: Invitae Variant Classification Sherloc (09022015). Collection method: clinical testing. Allele origin: germline.
Comment: This variant is a gross deletion of the genomic region encompassing exon(s) 148-154 of the NEB gene. This variant would be expected to be in-frame, preserving the integrity of the reading frame. This variant has not been reported in the literature in individuals affected with NEB-related conditions. This variant disrupts a region of the NEB protein in which other variant(s) (p.Thr7417Pro) have been determined to be pathogenic (PMID: 16917880, 25110572). This suggests that this is a clinically significant region of the protein, and that variants that disrupt it are likely to be disease-causing. For these reasons, this variant has been classified as Pathogenic.

Literature cited by the submitters: PubMed 16917880; PubMed 25110572.